The following is an entry in ClinVar:

NM_000426.4(LAMA2):c.1121G>A (p.Gly374Glu)

Gene: LAMA2 (laminin subunit alpha 2; plus strand). Cytogenetic location: 6q22.33.
Variant type: single nucleotide variant.
Coding change: c.1121G>A on transcript NM_000426.4 (MANE Select); coding-DNA position 1121, G replaced by A.
Protein change: p.Gly374Glu; replaces glycine 374 with glutamic acid.
Molecular consequence: missense variant.
Genome position (GRCh38, 1-based): chr6:129,154,598, G>A. VCF-style: chr6-129154598-G-A. GRCh37 (hg19) VCF-style: chr6-129475743-G-A.
Other names: c.1121G>A, p.Gly374Glu (NM_001079823.2); short protein forms G374E.
Identifiers: ClinVar variation 645702 (VCV000645702.9), dbSNP rs1583149127, ClinGen allele CA365606965.

ClinVar aggregate classification (germline): Uncertain significance (1 of 4 stars; one submission).

Conditions:
LAMA2-related muscular dystrophy (LAMA2-RD). Also called: Laminin alpha 2-related dystrophy. Identifiers: MedGen C5679788, MONDO:0100228.

Submission:

Labcorp Genetics (formerly Invitae), Labcorp
Classification: Uncertain significance for LAMA2-related muscular dystrophy. Last evaluated: 2018-07-01. Review status: criteria provided, single submitter. Criteria: Invitae Variant Classification Sherloc (09022015). Collection method: clinical testing. Allele origin: germline.
Comment: This sequence change replaces glycine with glutamic acid at codon 374 of the LAMA2 protein (p.Gly374Glu). The glycine residue is moderately conserved and there is a moderate physicochemical difference between glycine and glutamic acid. This variant is not present in population databases (ExAC no frequency). This variant has not been reported in the literature in individuals with LAMA2-related disease. Algorithms developed to predict the effect of missense changes on protein structure and function are either unavailable or do not agree on the potential impact of this missense change (SIFT: "Deleterious"; PolyPhen-2: "Probably Damaging"; Align-GVGD: "Class C0"). In summary, the available evidence is currently insufficient to determine the role of this variant in disease. Therefore, it has been classified as a Variant of Uncertain Significance.